The following is an entry in ClinVar:

NM_001042492.3(NF1):c.7226del (p.Thr2409fs)

Gene: NF1 (neurofibromin 1; plus strand). Cytogenetic location: 17q11.2.
Variant type: Deletion.
Coding change: c.7226del on transcript NM_001042492.3 (MANE Select); coding-DNA position 7226, one base deleted (C; older notation c.7226delC).
Protein change: p.Thr2409fs; shifts the reading frame from threonine 2409.
Molecular consequence: frameshift variant.
Genome position (GRCh38, 1-based): chr17:31,349,156, C deleted. VCF-style (leftmost placement, unchanged base first): chr17-31349155-AC-A. GRCh37 (hg19) VCF-style: chr17-29676173-AC-A.
Other names: c.7163delC, p.Thr2388Lysfs (NM_000267.4); short protein forms T2388fs, T2409fs.
Identifiers: ClinVar variation 1074047 (VCV001074047.5), dbSNP rs2151572589, ClinGen allele CA2499224219.

ClinVar aggregate classification (germline): Pathogenic (1 of 4 stars; one submission).

Conditions:
Neurofibromatosis, type 1 (NF1). Also called: VON RECKLINGHAUSEN DISEASE; Peripheral type neurofibromatosis; NEUROFIBROMATOSIS, TYPE I, SOMATIC; Neurofibromatosis, type I. Identifiers: Orphanet 636, MedGen C0027831, MONDO:0018975, OMIM 162200. Disease mechanism: loss of function.

Submission:

Labcorp Genetics (formerly Invitae), Labcorp
Classification: Pathogenic for Neurofibromatosis, type 1. Last evaluated: 2020-07-20. Review status: criteria provided, single submitter. Criteria: Invitae Variant Classification Sherloc (09022015). Collection method: clinical testing. Allele origin: germline.
Comment: This sequence change creates a premature translational stop signal (p.Thr2388Lysfs*9) in the NF1 gene. It is expected to result in an absent or disrupted protein product. This variant is not present in population databases (ExAC no frequency). This variant has not been reported in the literature in individuals with NF1-related conditions. Loss-of-function variants in NF1 are known to be pathogenic (PMID: 10712197, 23913538). For these reasons, this variant has been classified as Pathogenic.

Literature cited by the submitters: PubMed 10712197; PubMed 23913538.